The following is an entry in ClinVar:

NM_024824.5(ZC3H14):c.37-5C>T

Gene: ZC3H14 (zinc finger CCCH-type containing 14; plus strand). Cytogenetic location: 14q31.3.
Variant type: single nucleotide variant.
Coding change: c.37-5C>T on transcript NM_024824.5 (MANE Select); 5 bases into the intron before coding-DNA position 37, C replaced by T.
Molecular consequence: intron variant.
Genome position (GRCh38, 1-based): chr14:88,563,646, C>T. VCF-style: chr14-88563646-C-T. GRCh37 (hg19) VCF-style: chr14-89029990-C-T.
Other names: c.-247-5C>T (NM_001326297.2, NM_001326315.2, NM_001326301.2 and 1 more transcripts); c.37-5C>T (NM_001160103.2, NM_001326310.2, NM_001160104.2 and 9 more transcripts); c.-314-5C>T (NM_001326300.2, NM_001326302.2, NM_001326308.2 and 5 more transcripts); c.-66-5C>T (NM_001326316.2, NM_207661.3).
Identifiers: ClinVar variation 3629955 (VCV003629955.2).

ClinVar aggregate classification (germline): Conflicting classifications of pathogenicity. Review status: criteria provided, conflicting classifications (1 of 4 stars). 2 submissions from 2 submitters: Uncertain significance (1); Likely benign (1). Last evaluated 2024-11-20.

gnomAD v4.1: 247 of 1,614,200 alleles (0.015%); highest among the groups gnomAD compares: African/African-American, 0.28%; no homozygotes.

Submissions (2):

Women's Health and Genetics/Laboratory Corporation of America, LabCorp
Classification: Uncertain significance. Last evaluated: 2024-11-20. Review status: criteria provided, single submitter. Criteria: LabCorp Variant Classification Summary - May 2015. Collection method: clinical testing. Allele origin: germline.
Comment: Variant summary: ZC3H14 c.37-5C>T alters a non-conserved nucleotide located close to a canonical splice site and therefore could affect mRNA splicing, leading to a significantly altered protein sequence. Consensus agreement among computation tools predict no significant impact on normal splicing. However, these predictions have yet to be confirmed by functional studies. The variant allele was found at a frequency of 0.00019 in 251466 control chromosomes. This frequency is not significantly higher than estimated for a pathogenic variant in ZC3H14 causing Intellectual Disability, Autosomal Recessive 56, allowing no conclusion about variant significance. To our knowledge, no occurrence of c.37-5C>T in individuals affected with Intellectual Disability, Autosomal Recessive 56 and no experimental evidence demonstrating its impact on protein function have been reported. No submitters have cited clinical-significance assessments for this variant to ClinVar. Based on the evidence outlined above, the variant was classified as uncertain significance.

Blueprint Genetics
Classification: Likely benign. Last evaluated: 2024-09-18. Review status: criteria provided, single submitter. Criteria: ACMG Guidelines, 2015. Collection method: clinical testing. Allele origin: germline.